The following is an entry in ClinVar:

NM_000051.4(ATM):c.4577C>A (p.Pro1526His)

Gene: ATM (ATM serine/threonine kinase; plus strand). Cytogenetic location: 11q22.3.
Variant type: single nucleotide variant.
Coding change: c.4577C>A on transcript NM_000051.4 (MANE Select); coding-DNA position 4577, C replaced by A.
Protein change: p.Pro1526His; replaces proline 1526 with histidine.
Molecular consequence: missense variant.
Genome position (GRCh38, 1-based): chr11:108,292,759, C>A. VCF-style: chr11-108292759-C-A. GRCh37 (hg19) VCF-style: chr11-108163486-C-A.
Other names: c.4577C>A, p.Pro1526His (NM_001351834.2); short protein forms P1526H.
Identifiers: ClinVar variation 407523 (VCV000407523.15), dbSNP rs770590652, ClinGen allele CA16613359.

ClinVar aggregate classification (germline): Uncertain significance. Review status: criteria provided, multiple submitters, no conflicts (2 of 4 stars). 4 submissions from 4 submitters: Uncertain significance (4). Last evaluated 2025-06-30.

Conditions:
Hereditary cancer-predisposing syndrome. Also called: Hereditary neoplastic syndrome; Neoplastic Syndromes, Hereditary; Tumor predisposition; Hereditary Cancer Syndrome. Identifiers: Orphanet 140162, MedGen C0027672, MeSH D009386, MONDO:0015356.
Familial cancer of breast. Also called: Hereditary breast cancer; hereditary breast carcinoma; BREAST CANCER, FAMILIAL. Identifiers: Orphanet 227535, MedGen C0346153, MONDO:0016419, OMIM 114480. Disease mechanism: loss of function.
Ataxia-telangiectasia syndrome (AT). Also called: Ataxia telangiectasia (A-T); LOUIS-BAR SYNDROME; Cerebello-oculocutaneous telangiectasia; Immunodeficiency with ataxia telangiectasia; Ataxia-telangiectasia, complementation group D; AT, COMPLEMENTATION GROUP C. Identifiers: Orphanet 100, MedGen C0004135, MONDO:0008840, OMIM 208900.

Allele frequency attached by ClinVar (database versions not stated): TOPMed below 0.00001; gnomAD 0.00001.
gnomAD v4.1: 3 of 1,613,736 alleles (0.00019%); highest among the groups gnomAD compares: African/African-American, 0.0027%; no homozygotes.

Submissions (4):

Color Diagnostics, LLC DBA Color Health
Classification: Uncertain significance for Hereditary cancer-predisposing syndrome. Last evaluated: 2025-06-30. Review status: criteria provided, single submitter. Criteria: ACMG Guidelines, 2015. Collection method: clinical testing. Allele origin: germline.
Comment: This missense variant replaces proline with histidine at codon 1526 of the ATM protein. Computational prediction suggests that this variant may not impact protein structure and function. To our knowledge, functional studies have not been reported for this variant. This variant has not been reported in individuals affected with ATM-related disorders in the literature. This variant has been identified in 2/31372 chromosomes in the general population by the Genome Aggregation Database (gnomAD). The available evidence is insufficient to determine the role of this variant in disease conclusively. Therefore, this variant is classified as a Variant of Uncertain Significance.

Labcorp Genetics (formerly Invitae), Labcorp
Classification: Uncertain significance for Ataxia-telangiectasia syndrome. Last evaluated: 2024-11-27. Review status: criteria provided, single submitter. Criteria: Invitae Variant Classification Sherloc (09022015). Collection method: clinical testing. Allele origin: germline.
Comment: This sequence change replaces proline, which is neutral and non-polar, with histidine, which is basic and polar, at codon 1526 of the ATM protein (p.Pro1526His). This variant is present in population databases (no rsID available, gnomAD 0.03%). This variant has not been reported in the literature in individuals affected with ATM-related conditions. ClinVar contains an entry for this variant (Variation ID: 407523). Invitae Evidence Modeling of protein sequence and biophysical properties (such as structural, functional, and spatial information, amino acid conservation, physicochemical variation, residue mobility, and thermodynamic stability) indicates that this missense variant is not expected to disrupt ATM protein function with a negative predictive value of 95%. In summary, the available evidence is currently insufficient to determine the role of this variant in disease. Therefore, it has been classified as a Variant of Uncertain Significance.

Ambry Genetics
Classification: Uncertain significance for Hereditary cancer-predisposing syndrome. Last evaluated: 2024-09-06. Review status: criteria provided, single submitter. Criteria: Ambry Variant Classification Scheme 2023. Collection method: clinical testing. Allele origin: germline.
Comment: The p.P1526H variant (also known as c.4577C>A), located in coding exon 29 of the ATM gene, results from a C to A substitution at nucleotide position 4577. The proline at codon 1526 is replaced by histidine, an amino acid with similar properties. This amino acid position is well conserved in available vertebrate species. In addition, the in silico prediction for this alteration is inconclusive. Based on the available evidence, the clinical significance of this variant remains unclear.

Department of Pathology and Laboratory Medicine, Sinai Health System
Classification: Uncertain significance for Familial cancer of breast. Last evaluated: 2022-01-06. Review status: criteria provided, single submitter. Criteria: ACMG Guidelines, 2015. Collection method: clinical testing. Allele origin: germline. Affected: yes.